The following is an entry in ClinVar:

NM_000069.3(CACNA1S):c.4891G>T (p.Ala1631Ser)

Gene: CACNA1S (calcium voltage-gated channel subunit alpha1 S; minus strand). Cytogenetic location: 1q32.1.
Variant type: single nucleotide variant.
Coding change: c.4891G>T on transcript NM_000069.3 (MANE Select); coding-DNA position 4891, G replaced by T.
Protein change: p.Ala1631Ser; replaces alanine 1631 with serine.
Molecular consequence: missense variant.
Genome position (GRCh38, 1-based): chr1:201,043,438, C>A on the plus strand (G>T on the coding strand, the complement: CACNA1S is on the minus strand). VCF-style: chr1-201043438-C-A. GRCh37 (hg19) VCF-style: chr1-201012566-C-A.
Other names: short protein forms A1631S.
Identifiers: ClinVar variation 3386287 (VCV003386287.1).
Genomic context (GRCh38, chr1:201,043,438, plus strand): 5'-GATCTTGTGGGAAGTCCTCCAAGAAGACAGGTGACTCCATCTCTTCCATCTCTATCTCAG[C>A]AAACTGGAGGGGTCTCTGATTGGCCATGACGGGGGGCAGGGAGTTGGTCCTTTCCAGGAA-3'
Protein context (NP_000060.2, residues 1621-1641): VMANQRPLQF[Ala1631Ser]EIEMEEMESP

ClinVar aggregate classification (germline): Uncertain significance (1 of 4 stars; one submission).

Conditions:
Malignant hyperthermia, susceptibility to, 5 (MHS5). Also called: CACNA1S-Related Malignant Hyperthermia Susceptibility. Identifiers: Orphanet 423, MedGen C1866077, MONDO:0011163, OMIM 601887.

gnomAD v4.1: 1 of 1,614,116 alleles (0.000062%); highest among the groups gnomAD compares: East Asian, 0.0022%; no homozygotes.

Submission:

All of Us Research Program, National Institutes of Health
Classification: Uncertain significance for Malignant hyperthermia, susceptibility to, 5. Last evaluated: 2024-03-05. Review status: criteria provided, single submitter. Criteria: ACMG Guidelines, 2015. Collection method: clinical testing. Allele origin: germline. Inheritance: Autosomal dominant inheritance. Observed: 1 variant allele, 1 heterozygote.
Comment: This study involves interpretation of variants in research participants for the purpose of population health screening. Participant phenotype was not available at the time of variant classification. Additional details can be found in publication PMID: 35346344, PMCID: PMC8962531